The following is an entry in ClinVar:

NM_007126.5(VCP):c.2397C>G (p.Asp799Glu)

Gene: VCP (valosin containing protein; minus strand). Cytogenetic location: 9p13.3.
Variant type: single nucleotide variant.
Coding change: c.2397C>G on transcript NM_007126.5 (MANE Select); coding-DNA position 2397, C replaced by G.
Protein change: p.Asp799Glu; replaces aspartic acid 799 with glutamic acid.
Molecular consequence: missense variant.
Genome position (GRCh38, 1-based): chr9:35,057,141, G>C on the plus strand (C>G on the coding strand, the complement: VCP is on the minus strand). VCF-style: chr9-35057141-G-C. GRCh37 (hg19) VCF-style: chr9-35057138-G-C.
Other names: c.2262C>G, p.Asp754Glu (NM_001354927.2, NM_001354928.2); short protein forms D799E, D754E.
Identifiers: ClinVar variation 568017 (VCV000568017.10), dbSNP rs1329151473, ClinGen allele CA373267911.

ClinVar aggregate classification (germline): Uncertain significance (1 of 4 stars; one submission).

Conditions:
Frontotemporal dementia and/or amyotrophic lateral sclerosis 6 (FTDALS6). Also called: VCP-Related Amyotrophic Lateral Sclerosis; VCP-Related Amyotrophic Lateral Sclerosis/Frontotemporal Dementia. Identifiers: Orphanet 275872, Orphanet 803, MedGen C5436279, MONDO:0013501, OMIM 613954.
Inclusion body myopathy with Paget disease of bone and frontotemporal dementia. Also called: Inclusion body myopathy with early-onset Paget disease and frontotemporal dementia. Identifiers: Orphanet 52430, MedGen C1833662, MONDO:0000507.

Allele frequency attached by ClinVar (database versions not stated): gnomAD exomes 0.00001; TOPMed 0.00001; gnomAD 0.00002.
gnomAD v4.1: 11 of 1,613,982 alleles (0.00068%); highest among the groups gnomAD compares: Non-Finnish European, 0.00085%; no homozygotes.

Submission:

Labcorp Genetics (formerly Invitae), Labcorp
Classification: Uncertain significance for Inclusion body myopathy with Paget disease of bone and frontotemporal dementia; Frontotemporal dementia and/or amyotrophic lateral sclerosis 6. Last evaluated: 2025-10-20. Review status: criteria provided, single submitter. Criteria: Invitae Variant Classification Sherloc (09022015). Collection method: clinical testing. Allele origin: germline.
Comment: This sequence change replaces aspartic acid, which is acidic and polar, with glutamic acid, which is acidic and polar, at codon 799 of the VCP protein (p.Asp799Glu). This variant is present in population databases (no rsID available, gnomAD 0.007%). This variant has not been reported in the literature in individuals affected with VCP-related conditions. ClinVar contains an entry for this variant (Variation ID: 568017). Invitae Evidence Modeling of protein sequence and biophysical properties (such as structural, functional, and spatial information, amino acid conservation, physicochemical variation, residue mobility, and thermodynamic stability) indicates that this missense variant is not expected to disrupt VCP protein function with a negative predictive value of 95%. In summary, the available evidence is currently insufficient to determine the role of this variant in disease. Therefore, it has been classified as a Variant of Uncertain Significance.